The following is an entry in ClinVar:

ClinVar aggregate classification (germline): Uncertain significance. Review status: criteria provided, multiple submitters, no conflicts (2 of 4 stars). 7 submissions from 7 submitters: Uncertain significance (5). 2 of the submissions do not count toward it. Last evaluated 2024-10-09.

Conditions:
Cystic fibrosis (CF). Also called: MUCOVISCIDOSIS. Identifiers: Orphanet 586, MedGen C0010674, MONDO:0009061, OMIM 219700. Disease mechanism: loss of function.
CFTR-related disorder (CFTR-RD). Also called: CFTR-related condition; CFTR-related disorders. Identifiers: MedGen C5924204, MONDO:7770004.

Allele frequency attached by ClinVar (database versions not stated): TOPMed 0.00005; gnomAD 0.00001; gnomAD exomes below 0.00001.
gnomAD v4.1: 3 of 1,595,622 alleles (0.00019%); highest among the groups gnomAD compares: Admixed American, 0.0033%; no homozygotes.

Submissions (7):

Ambry Genetics
Classification: Uncertain significance for Cystic fibrosis. Last evaluated: 2024-10-09. Review status: criteria provided, single submitter. Criteria: Ambry Variant Classification Scheme 2023. Collection method: clinical testing. Allele origin: germline.
Comment: The p.I982M variant (also known as c.2946T>G), located in coding exon 18 of the CFTR gene, results from a T to G substitution at nucleotide position 2946. The isoleucine at codon 982 is replaced by methionine, an amino acid with highly similar properties. This amino acid position is not well conserved in available vertebrate species. In addition, the in silico prediction for this alteration is inconclusive. Based on the available evidence, the clinical significance of this variant remains unclear.

Women's Health and Genetics/Laboratory Corporation of America, LabCorp
Classification: Uncertain significance. Last evaluated: 2024-03-15. Review status: criteria provided, single submitter. Criteria: LabCorp Variant Classification Summary - May 2015. Collection method: clinical testing. Allele origin: germline.

Labcorp Genetics (formerly Invitae), Labcorp
Classification: Uncertain significance for Cystic fibrosis. Last evaluated: 2024-01-02. Review status: criteria provided, single submitter. Criteria: Invitae Variant Classification Sherloc (09022015). Collection method: clinical testing. Allele origin: germline.
Comment: This sequence change replaces isoleucine, which is neutral and non-polar, with methionine, which is neutral and non-polar, at codon 982 of the CFTR protein (p.Ile982Met). This variant is not present in population databases (gnomAD no frequency). This variant has not been reported in the literature in individuals affected with CFTR-related conditions. ClinVar contains an entry for this variant (Variation ID: 639695). Advanced modeling of protein sequence and biophysical properties (such as structural, functional, and spatial information, amino acid conservation, physicochemical variation, residue mobility, and thermodynamic stability) has been performed at Invitae for this missense variant, however the output from this modeling did not meet the statistical confidence thresholds required to predict the impact of this variant on CFTR protein function. In summary, the available evidence is currently insufficient to determine the role of this variant in disease. Therefore, it has been classified as a Variant of Uncertain Significance.

Genome-Nilou Lab
Classification: Uncertain significance for Cystic fibrosis. Last evaluated: 2021-09-05. Review status: criteria provided, single submitter. Criteria: ACMG Guidelines, 2015. Collection method: clinical testing. Allele origin: germline. Affected: no.

Illumina Laboratory Services, Illumina
Classification: Uncertain significance for CFTR-Related Disorders. Last evaluated: 2017-04-27. Review status: criteria provided, single submitter. Criteria: ICSL Variant Classification Criteria 13 December 2019. Collection method: clinical testing. Allele origin: germline.
Comment: This variant was observed as part of a predisposition screen in an ostensibly healthy population. A literature search was performed for the gene, cDNA change, and amino acid change (where applicable). Publications were found based on this search. However, the evidence from the literature, in combination with allele frequency data from public databases where available, was not sufficient to rule this variant in or out of causing disease. Therefore, this variant is classified as a variant of unknown significance.

PreventionGenetics, part of Exact Sciences
Classification: Uncertain significance for CFTR-related condition. Last evaluated: 2024-01-31. Review status: no assertion criteria provided. Collection method: clinical testing. Allele origin: germline. Not counted in ClinVar's aggregate classification.
Comment: The CFTR c.2946T>G variant is predicted to result in the amino acid substitution p.Ile982Met. To our knowledge, this variant has not been reported in the literature or in a large population database, indicating this variant is rare. At this time, the clinical significance of this variant is uncertain due to the absence of conclusive functional and genetic evidence.

Natera, Inc.
Classification: Uncertain significance for Cystic Fibrosis. Last evaluated: 2018-06-06. Review status: no assertion criteria provided. Collection method: clinical testing. Allele origin: germline. Not counted in ClinVar's aggregate classification.

Literature cited by the submitters: PubMed 25956447 (cited by Illumina Laboratory Services, Illumina).

NM_000492.4(CFTR):c.2946T>G (p.Ile982Met)

Genes: CFTR (CF transmembrane conductance regulator; plus strand), CFTR-AS2 (CFTR antisense RNA 2; minus strand). Cytogenetic location: 7q31.2.
Variant type: single nucleotide variant.
Coding change: c.2946T>G on transcript NM_000492.4 (MANE Select); coding-DNA position 2946, T replaced by G.
Protein change: p.Ile982Met; replaces isoleucine 982 with methionine.
Molecular consequence: missense variant.
Genome position (GRCh38, 1-based): chr7:117,606,711, T>G. VCF-style: chr7-117606711-T-G. GRCh37 (hg19) VCF-style: chr7-117246765-T-G.
Other names: short protein forms I982M.
Identifiers: ClinVar variation 639695 (VCV000639695.18), dbSNP rs748430234, ClinGen allele CA164962463.
Genomic context (GRCh38, chr7:117,606,711, plus strand): 5'-ATTTGTCATCTTGTATATTATAGGTGGGATTCTTAATAGATTCTCCAAAGATATAGCAAT[T>G]TTGGATGACCTTCTGCCTCTTACCATATTTGACTTCATCCAGGTATGTAAAAATAAGTAC-3'
Protein context (NP_000483.3, residues 972-992): ILNRFSKDIA[Ile982Met]LDDLLPLTIF